The following is an entry in ClinVar:

NM_000186.4(CFH):c.3176T>C (p.Ile1059Thr)

Gene: CFH (complement factor H; plus strand). Cytogenetic location: 1q31.3.
Variant type: single nucleotide variant.
Coding change: c.3176T>C on transcript NM_000186.4 (MANE Select); coding-DNA position 3176, T replaced by C.
Protein change: p.Ile1059Thr; replaces isoleucine 1059 with threonine.
Molecular consequence: missense variant.
Genome position (GRCh38, 1-based): chr1:196,743,494, T>C. VCF-style: chr1-196743494-T-C. GRCh37 (hg19) VCF-style: chr1-196712624-T-C.
Other names: p.Ile1059Thr; short protein forms I1059T.
Identifiers: ClinVar variation 289336 (VCV000289336.22), dbSNP rs35343172, ClinGen allele CA1305868.

ClinVar aggregate classification (germline): Benign/Likely benign. Review status: criteria provided, multiple submitters, no conflicts (2 of 4 stars). 17 submissions from 11 submitters: Benign (16); Likely benign (1). Last evaluated 2026-09-17.

Conditions:
Atypical hemolytic-uremic syndrome. Identifiers: Orphanet 2134, MedGen C2931788, MONDO:0016244.
Factor H deficiency (CFHD). Also called: COMPLEMENT FACTOR H DEFICIENCY; CFH DEFICIENCY. Identifiers: Orphanet 200421, MedGen C0398777, MONDO:0012350, OMIM 609814.
Age related macular degeneration 4. Identifiers: MedGen C1853147, MONDO:0012540, OMIM 610698.
CFH-Related Dense Deposit Disease / Membranoproliferative Glomerulonephritis Type II. Identifiers: MedGen CN071292.
Hemolytic uremic syndrome, atypical, susceptibility to, 1. Also called: AHUS, SUSCEPTIBILITY TO, 1. Identifiers: Orphanet 2134, Orphanet 90038, MedGen C2749604, MONDO:0009335, OMIM 235400. Disease mechanism: Other.
Basal laminar drusen. Also called: DRUSEN OF BRUCH MEMBRANE; DRUSEN, CUTICULAR; DRUSEN, EARLY ADULT-ONSET, GROUPED. Identifiers: Orphanet 75376, MedGen C0730295, MONDO:0007472, OMIM 126700.

Allele frequency attached by ClinVar (database versions not stated): gnomAD exomes 0.00199 and 0.00533; ExAC 0.00675; gnomAD 0.01963 and 0.02118; ESP Exome Variant Server 0.02230; TOPMed 0.02328; 1000 Genomes Project 0.02456; 1000 Genomes Project 30x 0.02514.
gnomAD v4.1: 5,998 of 1,613,954 alleles (0.37%); highest among the groups gnomAD compares: African/African-American, 6.8%; 157 homozygotes.

Submissions (17):

Genomenon, Inc
Classification: Benign for Age related macular degeneration 4; Atypical hemolytic-uremic syndrome; Factor H deficiency; Basal laminar drusen. Last evaluated: 2026-09-17. Review status: criteria provided, single submitter. Criteria: Genomenon Sequence Variant Interpretation Standards - Updated. Collection method: curation. Allele origin: germline. Affected: no.
Comment: CFH p.Ile1059Thr (c.3176T>C) is a missense variant that changes the amino acid at codon 1059 from isoleucine to threonine. This variant is present at high allele frequency in population databases. We classify CFH p.Ile1059Thr (c.3176T>C) as a benign variant.

Women's Health and Genetics/Laboratory Corporation of America, LabCorp
Classification: Likely benign. Last evaluated: 2026-01-22. Review status: criteria provided, single submitter. Criteria: LabCorp Variant Classification Summary - May 2015. Collection method: clinical testing. Allele origin: germline.

Labcorp Genetics (formerly Invitae), Labcorp
Classification: Benign. Last evaluated: 2024-10-27. Review status: criteria provided, single submitter. Criteria: Invitae Variant Classification Sherloc (09022015). Collection method: clinical testing. Allele origin: germline.

Genome-Nilou Lab
Classification: Benign for Hemolytic uremic syndrome, atypical, susceptibility to, 1. Last evaluated: 2023-04-11. Review status: criteria provided, single submitter. Criteria: ACMG Guidelines, 2015. Collection method: clinical testing. Allele origin: germline. Affected: no.

Genome-Nilou Lab
Classification: Benign for Age related macular degeneration 4. Last evaluated: 2023-04-11. Review status: criteria provided, single submitter. Criteria: ACMG Guidelines, 2015. Collection method: clinical testing. Allele origin: germline. Affected: no.

Genome-Nilou Lab
Classification: Benign for Basal laminar drusen. Last evaluated: 2023-04-11. Review status: criteria provided, single submitter. Criteria: ACMG Guidelines, 2015. Collection method: clinical testing. Allele origin: germline. Affected: no.

Genome-Nilou Lab
Classification: Benign for Factor H deficiency. Last evaluated: 2023-04-11. Review status: criteria provided, single submitter. Criteria: ACMG Guidelines, 2015. Collection method: clinical testing. Allele origin: germline. Affected: no.

Mayo Clinic Laboratories, Mayo Clinic
Classification: Benign. Last evaluated: 2022-11-09. Review status: criteria provided, single submitter. Criteria: ACMG Guidelines, 2015. Collection method: clinical testing. Allele origin: germline. Observed: 191 variant alleles.
Comment: BA1

Genome Diagnostics Laboratory, The Hospital for Sick Children
Classification: Benign for Atypical hemolytic-uremic syndrome. Last evaluated: 2021-09-14. Review status: criteria provided, single submitter. Criteria: ACMG Guidelines, 2015. Collection method: clinical testing. Allele origin: germline.

GeneDx
Classification: Benign. Last evaluated: 2021-05-06. Review status: criteria provided, single submitter. Criteria: GeneDx Variant Classification Process June 2021. Collection method: clinical testing. Allele origin: germline. Affected: yes.
Comment: This variant is associated with the following publications: (PMID: 29888403, 29686068, 24933457)

Mendelics
Classification: Benign for Basal laminar drusen. Last evaluated: 2019-05-28. Review status: criteria provided, single submitter. Criteria: Mendelics Assertion Criteria 2017. Collection method: clinical testing. Allele origin: unknown.

Illumina Laboratory Services, Illumina
Classification: Benign for Hemolytic uremic syndrome, atypical, susceptibility to, 1. Last evaluated: 2018-01-13. Review status: criteria provided, single submitter. Criteria: ICSL Variant Classification Criteria 13 December 2019. Collection method: clinical testing. Allele origin: germline.
Comment: This variant was observed in the ICSL laboratory as part of a predisposition screen in an ostensibly healthy population. It had not been previously curated by ICSL or reported in the Human Gene Mutation Database (HGMD: prior to June 1st, 2018), and was therefore a candidate for classification through an automated scoring system. Utilizing variant allele frequency, disease prevalence and penetrance estimates, and inheritance mode, an automated score was calculated to assess if this variant is too frequent to cause the disease. Based on the score and internal cut-off values, a variant classified as benign is not then subjected to further curation. The score for this variant resulted in a classification of benign for this disease.

Illumina Laboratory Services, Illumina
Classification: Benign for Basal laminar drusen. Last evaluated: 2018-01-13. Review status: criteria provided, single submitter. Criteria: ICSL Variant Classification Criteria 13 December 2019. Collection method: clinical testing. Allele origin: germline.
Comment: the same text as in the submission from Illumina Laboratory Services, Illumina above.

Illumina Laboratory Services, Illumina
Classification: Benign for Membranoproliferative glomerulonephritis with complement factor h deficiency. Last evaluated: 2018-01-13. Review status: criteria provided, single submitter. Criteria: ICSL Variant Classification Criteria 13 December 2019. Collection method: clinical testing. Allele origin: germline.
Comment: the same text as in the submission from Illumina Laboratory Services, Illumina above.

Illumina Laboratory Services, Illumina
Classification: Benign for Age related macular degeneration 4. Last evaluated: 2018-01-13. Review status: criteria provided, single submitter. Criteria: ICSL Variant Classification Criteria 13 December 2019. Collection method: clinical testing. Allele origin: germline.
Comment: the same text as in the submission from Illumina Laboratory Services, Illumina above.

Eurofins Ntd Llc (ga)
Classification: Benign. Last evaluated: 2016-08-11. Review status: criteria provided, single submitter. Criteria: EGL Classification Definitions 2015. Collection method: clinical testing. Allele origin: germline. Observed: 1 variant allele, 1 heterozygote.

Breakthrough Genomics
Classification: Benign. Review status: criteria provided, single submitter. Criteria: ACMG Guidelines, 2015. Collection method: not provided. Allele origin: germline. Inheritance: Autosomal recessive inheritance. Affected: yes.